The following is an entry in ClinVar:

NM_001378969.1(KCND3):c.911C>T (p.Ser304Phe)

Gene: KCND3 (potassium voltage-gated channel subfamily D member 3; minus strand). Cytogenetic location: 1p13.2.
Variant type: single nucleotide variant.
Coding change: c.911C>T on transcript NM_001378969.1 (MANE Select); coding-DNA position 911, C replaced by T.
Protein change: p.Ser304Phe; replaces serine 304 with phenylalanine.
Molecular consequence: missense variant.
Genome position (GRCh38, 1-based): chr1:111,981,816, G>A on the plus strand (C>T on the coding strand, the complement: KCND3 is on the minus strand). VCF-style: chr1-111981816-G-A. GRCh37 (hg19) VCF-style: chr1-112524438-G-A.
Other names: c.911C>T, p.Ser304Phe (NM_001378970.1, NM_004980.5, NM_172198.3); short protein forms S304F.
Identifiers: ClinVar variation 1699397 (VCV001699397.3), dbSNP rs2101995530, ClinGen allele CA341821083.

ClinVar aggregate classification (germline): Likely pathogenic (1 of 4 stars; one submission).

Conditions:
Spinocerebellar ataxia type 19/22 (SCA19). Also called: SPINOCEREBELLAR ATAXIA 19; SPINOCEREBELLAR ATAXIA 22. Identifiers: Orphanet 98772, MedGen C1846367, MONDO:0011819, OMIM 607346.

Submission:

Victorian Clinical Genetics Services, Murdoch Childrens Research Institute
Classification: Likely pathogenic for Spinocerebellar ataxia type 19/22. Last evaluated: 2022-09-02. Review status: criteria provided, single submitter. Criteria: ACMG Guidelines, 2015. Collection method: clinical testing. Allele origin: germline. Inheritance: Autosomal dominant inheritance. Affected: yes.
Comment: A heterozygous missense variant was identified, NM_004980.4(KCND3):c.911C>T in exon 2 of 8 of the KCND3 gene. This substitution is predicted to create a major amino acid change from serine to phenylalanine at position 304 of the protein, NP_004971.2(KCND3):p.(Ser304Phe). The serine at this position has very high conservation (100 vertebrates, UCSC), and is located within the ion transporter functional domain. In silico software predicts this variant to be disease causing (Polyphen, SIFT, CADD, Mutation Taster). The variant is not present in the gnomAD population database. The variant has not been previously reported in a clinical testing setting. A different variant in the same codon resulting in a change to proline has been reported but with no classification (LOVD). Subsequent analysis of parental samples indicated that this variant is de novo. Based on information available at the time of curation, this variant has been reclassified as LIKELY PATHOGENIC.